The following is an entry in ClinVar:

ClinVar aggregate classification (germline): Conflicting classifications of pathogenicity. Review status: criteria provided, conflicting classifications (1 of 4 stars). 3 submissions from 3 submitters: Uncertain significance (1); Benign (1); Likely benign (1). Last evaluated 2025-02-14.

Conditions:
Breast-ovarian cancer, familial, susceptibility to, 3. Also called: RAD51C-Related Breast/Ovarian Cancer. Identifiers: Orphanet 145, MedGen C3150659, MONDO:0013253, OMIM 613399.
Fanconi anemia complementation group O. Also called: RAD51C-Related Fanconi Anemia. Identifiers: Orphanet 84, MedGen C3150653, MONDO:0013248, OMIM 613390.

Allele frequency attached by ClinVar (database versions not stated): ExAC 0.00001; gnomAD 0.00001.
gnomAD v4.1: 1 of 1,614,024 alleles (0.000062%); highest among the groups gnomAD compares: African/African-American, 0.0013%; no homozygotes.

Submissions (3):

Myriad Genetics, Inc.
Classification: Benign for Breast-ovarian cancer, familial, susceptibility to, 3. Last evaluated: 2025-02-14. Review status: criteria provided, single submitter. Criteria: Myriad Autosomal Dominant, Autosomal Recessive and X-Linked Classification Criteria (2023). Collection method: clinical testing. Allele origin: unknown.
Comment: This variant is considered benign. This variant is a silent/synonymous amino acid change and it is not expected to impact splicing.

Quest Diagnostics Nichols Institute San Juan Capistrano
Classification: Likely benign. Last evaluated: 2023-08-21. Review status: criteria provided, single submitter. Criteria: Quest Diagnostics criteria. Collection method: clinical testing. Allele origin: unknown.

Labcorp Genetics (formerly Invitae), Labcorp
Classification: Uncertain significance for Fanconi anemia complementation group O. Last evaluated: 2022-08-19. Review status: criteria provided, single submitter. Criteria: Invitae Variant Classification Sherloc (09022015). Collection method: clinical testing. Allele origin: germline.
Comment: Algorithms developed to predict the effect of sequence changes on RNA splicing suggest that this variant may disrupt the consensus splice site. In summary, the available evidence is currently insufficient to determine the role of this variant in disease. Therefore, it has been classified as a Variant of Uncertain Significance. This variant has not been reported in the literature in individuals affected with RAD51C-related conditions. This sequence change affects codon 16 of the RAD51C mRNA. It is a 'silent' change, meaning that it does not change the encoded amino acid sequence of the RAD51C protein. This variant is present in population databases (rs766058636, gnomAD 0.007%).

NM_058216.3(RAD51C):c.48T>C (p.Ser16=)

Gene: RAD51C (RAD51 paralog C; plus strand). Cytogenetic location: 17q22.
Variant type: single nucleotide variant.
Coding change: c.48T>C on transcript NM_058216.3 (MANE Select); coding-DNA position 48, T replaced by C.
Protein change: p.Ser16=; no amino-acid change (serine 16 retained).
Molecular consequence: synonymous variant. On other transcripts: non-coding transcript variant (1).
Genome position (GRCh38, 1-based): chr17:58,692,691, T>C. VCF-style: chr17-58692691-T-C. GRCh37 (hg19) VCF-style: chr17-56770052-T-C.
Other names: c.48T>C, p.Ser16= (NM_002876.4, NM_058217.1); c.48T>C (NM_058216.2).
Identifiers: ClinVar variation 2024698 (VCV002024698.6), dbSNP rs766058636, ClinGen allele CA8677130.